The following is an entry in ClinVar:

ClinVar aggregate classification (germline): Pathogenic/Likely pathogenic. Review status: criteria provided, multiple submitters, no conflicts (2 of 4 stars). 8 submissions from 8 submitters: Pathogenic (4); Likely pathogenic (1). 3 of the submissions do not count toward it. Last evaluated 2024-09-04.

Conditions:
Developmental and epileptic encephalopathy, 9 (DEE9). Also called: EPILEPSY, FEMALE-RESTRICTED, WITH MENTAL RETARDATION; Early infantile epileptic encephalopathy 9; PCDH19-Related X-Linked Female-Limited Epilepsy with Mental Retardation; JUBERG-HELLMAN SYNDROME. Identifiers: Orphanet 101039, Orphanet 2076, MedGen C1848137, MONDO:0010246, OMIM 300088. Disease mechanism: loss of function.

Submissions (8):

Equipe Genetique des Anomalies du Developpement, Université de Bourgogne
Classification: Pathogenic for Developmental and epileptic encephalopathy, 9. Last evaluated: 2024-09-04. Review status: criteria provided, single submitter. Criteria: ACMG Guidelines, 2015. Collection method: clinical testing. Allele origin: germline. Affected: yes.
Comment: This nonsense variant is predicted to result in a truncated protein. Loss of function monoallelic pathogenic variants in the PCDH19 gene are a known mechanism of disease. It is responsible for X-linked epileptic encephalopathy (OMIM #300088, PMID: 28669061, 21053371). The c.462 C>G variant is absent from gnomAD (v4.1.0). This variant has been reported as either likely pathogenic or pathogenic multiple times in ClinVar (VCV000619130.14) . According to ACMG criteria, this variant is classified as pathogenic.

Pediatric Department, Peking University First Hospital
Classification: Pathogenic for Developmental and epileptic encephalopathy, 9. Last evaluated: 2022-06-01. Review status: criteria provided, single submitter. Criteria: ACMG Guidelines, 2015. Collection method: research. Allele origin: de novo. Affected: yes.

Labcorp Genetics (formerly Invitae), Labcorp
Classification: Pathogenic for Developmental and epileptic encephalopathy, 9. Last evaluated: 2021-09-18. Review status: criteria provided, single submitter. Criteria: Invitae Variant Classification Sherloc (09022015). Collection method: clinical testing. Allele origin: germline.
Comment: This sequence change creates a premature translational stop signal (p.Tyr154*) in the PCDH19 gene. It is expected to result in an absent or disrupted protein product. Loss-of-function variants in PCDH19 are known to be pathogenic (PMID: 21053371). This variant is not present in population databases (ExAC no frequency). This premature translational stop signal has been observed in individual(s) with PCDH19-related conditions (PMID: 28669061). In at least one individual the variant was observed to be de novo. ClinVar contains an entry for this variant (Variation ID: 619130). For these reasons, this variant has been classified as Pathogenic.

GeneDx
Classification: Pathogenic. Last evaluated: 2019-11-04. Review status: criteria provided, single submitter. Criteria: GeneDx Variant Classification Process June 2021. Collection method: clinical testing. Allele origin: germline. Affected: yes.
Comment: Nonsense variant predicted to result in protein truncation or nonsense mediated decay in a gene for which loss-of-function is a known mechanism of disease; Not observed in large population cohorts (Lek et al., 2016); This variant is associated with the following publications: (PMID: 28669061)

Diagnostics Division, CENTRE FOR DNA FINGERPRINTING AND DIAGNOSTICS
Classification: Likely pathogenic for Developmental and epileptic encephalopathy, 9. Review status: criteria provided, single submitter. Criteria: ACMG Guidelines, 2015. Collection method: research. Allele origin: de novo. Inheritance: X-linked inheritance. Affected: yes. Observed: 1 hemizygote, 1 mosaic individual.
Comment: Nonsense variant

Cytogénomique, Hospices Civils de Lyon
Classification: Pathogenic for Developmental and epileptic encephalopathy, 9. Review status: no assertion criteria provided. Collection method: clinical testing. Allele origin: unknown. Inheritance: X-linked dominant inheritance. Affected: yes. Not counted in ClinVar's aggregate classification.

Genome Diagnostics Laboratory, Amsterdam University Medical Center
Classification: Pathogenic. Review status: no assertion criteria provided. Collection method: clinical testing. Allele origin: germline. Affected: yes. Study: VKGL Data-share Consensus. Not counted in ClinVar's aggregate classification.

Genome Diagnostics Laboratory, University Medical Center Utrecht
Classification: Pathogenic. Review status: no assertion criteria provided. Collection method: clinical testing. Allele origin: germline. Affected: yes. Study: VKGL Data-share Consensus. Not counted in ClinVar's aggregate classification.

Literature cited by the submitters: PubMed 28669061 (cited by 3 submitters); PubMed 21053371 (cited by Equipe Genetique des Anomalies du Developpement, Université de Bourgogne and Labcorp Genetics (formerly Invitae), Labcorp).

NM_001184880.2(PCDH19):c.462C>G (p.Tyr154Ter)

Gene: PCDH19 (protocadherin 19; minus strand). Cytogenetic location: Xq22.1.
Variant type: single nucleotide variant.
Coding change: c.462C>G on transcript NM_001184880.2 (MANE Select); coding-DNA position 462, C replaced by G.
Protein change: p.Tyr154Ter; replaces tyrosine 154 with a stop codon.
Molecular consequence: nonsense.
Genome position (GRCh38, 1-based): chrX:100,408,136, G>C on the plus strand (C>G on the coding strand, the complement: PCDH19 is on the minus strand). VCF-style: chrX-100408136-G-C. GRCh37 (hg19) VCF-style: chrX-99663134-G-C.
Other names: c.462C>G, p.Tyr154Ter (NM_001105243.2, NM_020766.3); short protein forms Y154*.
Identifiers: ClinVar variation 619130 (VCV000619130.19), dbSNP rs1569315876, ClinGen allele CA414009595.